The following is an entry in ClinVar:

NM_003036.4(SKI):c.178G>C (p.Val60Leu)

Gene: SKI (SKI proto-oncogene; plus strand). Cytogenetic location: 1p36.33.
Variant type: single nucleotide variant.
Coding change: c.178G>C on transcript NM_003036.4 (MANE Select); coding-DNA position 178, G replaced by C.
Protein change: p.Val60Leu; replaces valine 60 with leucine.
Molecular consequence: missense variant.
Genome position (GRCh38, 1-based): chr1:2,228,944, G>C. VCF-style: chr1-2228944-G-C. GRCh37 (hg19) VCF-style: chr1-2160383-G-C.
Other names: c.178G>C (NM_003036.3); short protein forms V60L.
Identifiers: ClinVar variation 2882145 (VCV002882145.4), dbSNP rs2527576091, ClinGen allele CA337952257.
Genomic context (GRCh38, chr1:2,228,944, plus strand): 5'-GCGCGCTGGGCGCAGGAGGCCTACAAGAAGGAGAGCGCCAAGGAGGCGGGCGCGGCCGCG[G>C]TGCCGGCGCCGGTGCCCGCAGCCACCGAGCCGCCGCCCGTGCTGCACCTGCCCGCCATCC-3'
Protein context (NP_003027.1, residues 50-70): ESAKEAGAAA[Val60Leu]PAPVPAATEP

ClinVar aggregate classification (germline): Uncertain significance. Review status: criteria provided, multiple submitters, no conflicts (2 of 4 stars). 2 submissions from 2 submitters: Uncertain significance (2). Last evaluated 2025-11-25.

Conditions:
Familial thoracic aortic aneurysm and aortic dissection (TAAD). Also called: Thoracic aortic aneurysms and dissections. Identifiers: Orphanet 91387, MedGen C4707243, MONDO:0019625.
Shprintzen-Goldberg syndrome (SGS). Also called: SHPRINTZEN-GOLDBERG CRANIOSYNOSTOSIS SYNDROME; CRANIOSYNOSTOSIS WITH ARACHNODACTYLY AND ABDOMINAL HERNIAS; Marfanoid disorder with craniosynostosis type 1; Marfanoid craniosynostosis syndrome; Shprintzen-Goldberg marfanoid syndrome. Identifiers: Orphanet 2462, MedGen C1321551, MONDO:0008426, OMIM 182212.

Submissions (2):

Ambry Genetics
Classification: Uncertain significance for Familial thoracic aortic aneurysm and aortic dissection. Last evaluated: 2025-11-25. Review status: criteria provided, single submitter. Criteria: Ambry Variant Classification Scheme 2023. Collection method: clinical testing. Allele origin: germline.

Labcorp Genetics (formerly Invitae), Labcorp
Classification: Uncertain significance for Shprintzen-Goldberg syndrome. Last evaluated: 2023-11-20. Review status: criteria provided, single submitter. Criteria: Invitae Variant Classification Sherloc (09022015). Collection method: clinical testing. Allele origin: germline.
Comment: This sequence change replaces valine, which is neutral and non-polar, with leucine, which is neutral and non-polar, at codon 60 of the SKI protein (p.Val60Leu). This variant is not present in population databases (gnomAD no frequency). This variant has not been reported in the literature in individuals affected with SKI-related conditions. Advanced modeling of protein sequence and biophysical properties (such as structural, functional, and spatial information, amino acid conservation, physicochemical variation, residue mobility, and thermodynamic stability) performed at Invitae indicates that this missense variant is not expected to disrupt SKI protein function with a negative predictive value of 95%. In summary, the available evidence is currently insufficient to determine the role of this variant in disease. Therefore, it has been classified as a Variant of Uncertain Significance.